The following is an entry in ClinVar:

NM_001370658.1(BTD):c.347A>G (p.Gln116Arg)

Gene: BTD (biotinidase; plus strand). Cytogenetic location: 3p25.1.
Variant type: single nucleotide variant.
Coding change: c.347A>G on transcript NM_001370658.1 (MANE Select); coding-DNA position 347, A replaced by G.
Protein change: p.Gln116Arg; replaces glutamine 116 with arginine.
Molecular consequence: missense variant.
Genome position (GRCh38, 1-based): chr3:15,642,005, A>G. VCF-style: chr3-15642005-A-G. GRCh37 (hg19) VCF-style: chr3-15683512-A-G.
Other names: c.407A>G, p.Gln136Arg (NM_000060.4); c.347A>G, p.Gln116Arg (NM_001281723.4, NM_001281724.3, NM_001281725.3 and 36 more transcripts); c.410A>G, p.Gln137Arg (NM_001407381.1); short protein forms Q116R, Q137R, Q136R.
Identifiers: ClinVar variation 2041845 (VCV002041845.1), dbSNP rs935902177, ClinGen allele CA70619306.

ClinVar aggregate classification (germline): Uncertain significance (1 of 4 stars; one submission).

Conditions:
Biotinidase deficiency. Also called: BTD deficiency; Late-onset biotin-responsive multiple carboxylase deficiency; Biotin deficiency. Identifiers: Orphanet 79241, MedGen C0220754, MONDO:0009665, OMIM 253260.

Allele frequency attached by ClinVar (database versions not stated): gnomAD exomes 0.00001.
gnomAD v4.1: 7 of 1,614,212 alleles (0.00043%); highest among the groups gnomAD compares: Non-Finnish European, 0.00059%; no homozygotes.

Submission:

Labcorp Genetics (formerly Invitae), Labcorp
Classification: Uncertain significance for Biotinidase deficiency. Last evaluated: 2022-09-13. Review status: criteria provided, single submitter. Criteria: Invitae Variant Classification Sherloc (09022015). Collection method: clinical testing. Allele origin: germline.
Comment: This sequence change replaces glutamine, which is neutral and polar, with arginine, which is basic and polar, at codon 136 of the BTD protein (p.Gln136Arg). This variant is not present in population databases (gnomAD no frequency). This variant has not been reported in the literature in individuals affected with BTD-related conditions. Algorithms developed to predict the effect of missense changes on protein structure and function output the following: SIFT: "Tolerated"; PolyPhen-2: "Benign"; Align-GVGD: "Class C0". The arginine amino acid residue is found in multiple mammalian species, which suggests that this missense change does not adversely affect protein function. In summary, the available evidence is currently insufficient to determine the role of this variant in disease. Therefore, it has been classified as a Variant of Uncertain Significance.